The following is an entry in ClinVar:

NM_004100.5(EYA4):c.121C>A (p.Leu41Ile)

Gene: EYA4 (EYA transcriptional coactivator and phosphatase 4; plus strand). Cytogenetic location: 6q23.2.
Variant type: single nucleotide variant.
Coding change: c.121C>A on transcript NM_004100.5 (MANE Select); coding-DNA position 121, C replaced by A.
Protein change: p.Leu41Ile; replaces leucine 41 with isoleucine.
Molecular consequence: missense variant.
Genome position (GRCh38, 1-based): chr6:133,446,667, C>A. VCF-style: chr6-133446667-C-A. GRCh37 (hg19) VCF-style: chr6-133767805-C-A.
Other names: c.121C>A, p.Leu41Ile (NM_001301012.2, NM_001301013.2, NM_001370458.1 and 3 more transcripts); short protein forms L41I.
Identifiers: ClinVar variation 2961028 (VCV002961028.3), dbSNP rs2534338232, ClinGen allele CA365837985.

ClinVar aggregate classification (germline): Uncertain significance (1 of 4 stars; one submission).

Conditions:
Dilated cardiomyopathy 1J (CMD1J). Also called: CARDIOMYOPATHY, DILATED, WITH SENSORINEURAL HEARING LOSS, AUTOSOMAL DOMINANT. Identifiers: Orphanet 217622, MedGen C1854368, MONDO:0011541, OMIM 605362.

gnomAD v4.1: 1 of 1,613,720 alleles (0.000062%); highest among the groups gnomAD compares: Non-Finnish European, 0.000085%; no homozygotes.

Submission:

Labcorp Genetics (formerly Invitae), Labcorp
Classification: Uncertain significance for Dilated cardiomyopathy 1J. Last evaluated: 2023-03-13. Review status: criteria provided, single submitter. Criteria: Invitae Variant Classification Sherloc (09022015). Collection method: clinical testing. Allele origin: germline.
Comment: In summary, the available evidence is currently insufficient to determine the role of this variant in disease. Therefore, it has been classified as a Variant of Uncertain Significance. An algorithm developed to predict the effect of missense changes on protein structure and function (PolyPhen-2) suggests that this variant is likely to be tolerated. This variant has not been reported in the literature in individuals affected with EYA4-related conditions. This variant is not present in population databases (gnomAD no frequency). This sequence change replaces leucine, which is neutral and non-polar, with isoleucine, which is neutral and non-polar, at codon 41 of the EYA4 protein (p.Leu41Ile).